The following is an entry in ClinVar:

NM_018116.4(MSTO1):c.34C>G (p.Gln12Glu)

Gene: MSTO1 (misato mitochondrial distribution and morphology regulator 1; plus strand). Cytogenetic location: 1q22.
Variant type: single nucleotide variant.
Coding change: c.34C>G on transcript NM_018116.4 (MANE Select); coding-DNA position 34, C replaced by G.
Protein change: p.Gln12Glu; replaces glutamine 12 with glutamic acid.
Molecular consequence: missense variant. On other transcripts: 5 prime UTR variant (14), non-coding transcript variant (6).
Genome position (GRCh38, 1-based): chr1:155,610,282, C>G. VCF-style: chr1-155610282-C-G. GRCh37 (hg19) VCF-style: chr1-155580073-C-G.
Other names: c.34C>G, p.Gln12Glu (NM_001256532.1, NM_001256533.1, NM_001350772.1 and 3 more transcripts); c.-254C>G (NM_001350776.1); c.-523C>G (NM_001350777.1); c.-587C>G (NM_001350778.1); c.-528C>G (NM_001350779.1); c.-639C>G (NM_001350780.1); c.-1040C>G (NM_001350781.1); c.-565C>G (NM_001350782.1, NM_001350783.1, NM_001350786.1 and 1 more transcripts); and 4 more; short protein forms Q12E.
Identifiers: ClinVar variation 1698232 (VCV001698232.2), dbSNP rs1673537653, ClinGen allele CA342755610.
Genomic context (GRCh38, chr1:155,610,282, plus strand): 5'-CGCGGCGGCCCCGTGGAGCAGCGCAGTATGGCGGGCGGGGCCCGGGAGGTGCTCACACTG[C>G]AGTTGGGACATTTTGCCGGTTTCGTGGGCGCGCACTGGTGGAACCAGCAGGTGAGGTCAG-3'
Protein context (NP_060586.2, residues 2-22): AGGAREVLTL[Gln12Glu]LGHFAGFVGA

ClinVar aggregate classification (germline): Uncertain significance (1 of 4 stars; one submission).

gnomAD v4.1: 1 of 982,450 alleles (0.0001%); no homozygotes.

Submission:

GeneDx
Classification: Uncertain significance. Last evaluated: 2022-01-25. Review status: criteria provided, single submitter. Criteria: GeneDx Variant Classification Process June 2021. Collection method: clinical testing. Allele origin: germline. Affected: yes.
Comment: Not observed at significant frequency in large population cohorts (gnomAD); In silico analysis supports that this missense variant has a deleterious effect on protein structure/function; Has not been previously published as pathogenic or benign to our knowledge